The following is an entry in ClinVar:

NM_000492.4(CFTR):c.2453T>G (p.Leu818Trp)

Gene: CFTR (CF transmembrane conductance regulator; plus strand). Cytogenetic location: 7q31.2.
Variant type: single nucleotide variant.
Coding change: c.2453T>G on transcript NM_000492.4 (MANE Select); coding-DNA position 2453, T replaced by G.
Protein change: p.Leu818Trp; replaces leucine 818 with tryptophan.
Molecular consequence: missense variant.
Genome position (GRCh38, 1-based): chr7:117,592,620, T>G. VCF-style: chr7-117592620-T-G. GRCh37 (hg19) VCF-style: chr7-117232674-T-G.
Other names: short protein forms L818W.
Identifiers: ClinVar variation 4064484 (VCV004064484.2).

ClinVar aggregate classification (germline): Uncertain significance. Review status: criteria provided, single submitter (1 of 4 stars). 2 submissions from 2 submitters: Uncertain significance (1). 1 of the submissions does not count toward it. Last evaluated 2026-02-17.

Conditions:
Cystic fibrosis (CF). Also called: MUCOVISCIDOSIS. Identifiers: Orphanet 586, MedGen C0010674, MONDO:0009061, OMIM 219700. Disease mechanism: loss of function.
CFTR-related disorder (CFTR-RD). Also called: CFTR-related disorders; CFTR-related condition. Identifiers: MedGen C5924204, MONDO:7770004.

Submissions (2):

Ambry Genetics
Classification: Uncertain significance for Cystic fibrosis. Last evaluated: 2026-02-17. Review status: criteria provided, single submitter. Criteria: Ambry Variant Classification Scheme 2023. Collection method: clinical testing. Allele origin: germline.
Comment: The p.L818W variant (also known as c.2453T>G), located in coding exon 14 of the CFTR gene, results from a T to G substitution at nucleotide position 2453. The leucine at codon 818 is replaced by tryptophan, an amino acid with similar properties. This amino acid position is conserved. In addition, the in silico prediction for this alteration is inconclusive. Based on the available evidence, the clinical significance of this variant remains unclear.

Natera, Inc.
Classification: Uncertain significance for CFTR-related disorders. Last evaluated: 2025-04-11. Review status: no assertion criteria provided. Collection method: clinical testing. Allele origin: germline. Not counted in ClinVar's aggregate classification.